The following is an entry in ClinVar:

NM_015164.4(PLEKHM2):c.1118A>G (p.Gln373Arg)

Gene: PLEKHM2 (pleckstrin homology and RUN domain containing M2; plus strand). Cytogenetic location: 1p36.21.
Variant type: single nucleotide variant.
Coding change: c.1118A>G on transcript NM_015164.4 (MANE Select); coding-DNA position 1118, A replaced by G.
Protein change: p.Gln373Arg; replaces glutamine 373 with arginine.
Molecular consequence: missense variant.
Genome position (GRCh38, 1-based): chr1:15,727,190, A>G. VCF-style: chr1-15727190-A-G. GRCh37 (hg19) VCF-style: chr1-16053685-A-G.
Other names: short protein forms Q373R.
Identifiers: ClinVar variation 943612 (VCV000943612.10), dbSNP rs1263111211, ClinGen allele CA338585431.

ClinVar aggregate classification (germline): Uncertain significance. Review status: criteria provided, multiple submitters, no conflicts (2 of 4 stars). 2 submissions from 2 submitters: Uncertain significance (2). Last evaluated 2024-04-15.

Allele frequency attached by ClinVar (database versions not stated): gnomAD exomes below 0.00001; TOPMed below 0.00001; gnomAD 0.00001.
gnomAD v4.1: 2 of 1,605,566 alleles (0.00012%); highest among the groups gnomAD compares: Admixed American, 0.0034%; no homozygotes.

Submissions (2):

Labcorp Genetics (formerly Invitae), Labcorp
Classification: Uncertain significance. Last evaluated: 2024-04-15. Review status: criteria provided, single submitter. Criteria: Invitae Variant Classification Sherloc (09022015). Collection method: clinical testing. Allele origin: germline.
Comment: This sequence change replaces glutamine, which is neutral and polar, with arginine, which is basic and polar, at codon 373 of the PLEKHM2 protein (p.Gln373Arg). This variant is present in population databases (no rsID available, gnomAD 0.003%). This variant has not been reported in the literature in individuals affected with PLEKHM2-related conditions. ClinVar contains an entry for this variant (Variation ID: 943612). Algorithms developed to predict the effect of missense changes on protein structure and function output the following: SIFT: "Not Available"; PolyPhen-2: "Benign"; Align-GVGD: "Not Available". The arginine amino acid residue is found in multiple mammalian species, which suggests that this missense change does not adversely affect protein function. In summary, the available evidence is currently insufficient to determine the role of this variant in disease. Therefore, it has been classified as a Variant of Uncertain Significance.

Ambry Genetics
Classification: Uncertain significance. Last evaluated: 2022-07-26. Review status: criteria provided, single submitter. Criteria: Ambry Variant Classification Scheme 2023. Collection method: clinical testing. Allele origin: germline.